The following is an entry in ClinVar:

NM_002292.4(LAMB2):c.2068A>C (p.Lys690Gln)

Gene: LAMB2 (laminin subunit beta 2; minus strand). Cytogenetic location: 3p21.31.
Variant type: single nucleotide variant.
Coding change: c.2068A>C on transcript NM_002292.4 (MANE Select); coding-DNA position 2068, A replaced by C.
Protein change: p.Lys690Gln; replaces lysine 690 with glutamine.
Molecular consequence: missense variant.
Genome position (GRCh38, 1-based): chr3:49,126,448, T>G on the plus strand (A>C on the coding strand, the complement: LAMB2 is on the minus strand). VCF-style: chr3-49126448-T-G. GRCh37 (hg19) VCF-style: chr3-49163881-T-G.
Other names: short protein forms K690Q.
Identifiers: ClinVar variation 1471030 (VCV001471030.8), dbSNP rs1231932718, ClinGen allele CA352727845.

ClinVar aggregate classification (germline): Uncertain significance (1 of 4 stars; one submission).

Conditions:
LAMB2-related infantile-onset nephrotic syndrome. Also called: NEPHROTIC SYNDROME, TYPE 5, WITHOUT OCULAR ABNORMALITIES; NEPHROTIC SYNDROME, TYPE 5, WITH OCULAR ABNORMALITIES; Nephrotic Syndrome, type 5. Identifiers: Orphanet 306507, MedGen C3280113, MONDO:0013621, OMIM 614199.
Pierson syndrome. Also called: MICROCORIA-CONGENITAL NEPHROTIC SYNDROME. Identifiers: Orphanet 2670, MedGen C1836876, MONDO:0012184, OMIM 609049.

Submission:

Labcorp Genetics (formerly Invitae), Labcorp
Classification: Uncertain significance for LAMB2-related infantile-onset nephrotic syndrome; Pierson syndrome. Last evaluated: 2022-11-08. Review status: criteria provided, single submitter. Criteria: Invitae Variant Classification Sherloc (09022015). Collection method: clinical testing. Allele origin: germline.
Comment: In summary, the available evidence is currently insufficient to determine the role of this variant in disease. Therefore, it has been classified as a Variant of Uncertain Significance. Algorithms developed to predict the effect of sequence changes on RNA splicing suggest that this variant may create or strengthen a splice site. Algorithms developed to predict the effect of missense changes on protein structure and function output the following: SIFT: "Tolerated"; PolyPhen-2: "Benign"; Align-GVGD: "Class C0". The glutamine amino acid residue is found in multiple mammalian species, which suggests that this missense change does not adversely affect protein function. ClinVar contains an entry for this variant (Variation ID: 1471030). This variant has not been reported in the literature in individuals affected with LAMB2-related conditions. This variant is not present in population databases (gnomAD no frequency). This sequence change replaces lysine, which is basic and polar, with glutamine, which is neutral and polar, at codon 690 of the LAMB2 protein (p.Lys690Gln).